The following is an entry in ClinVar:

ClinVar aggregate classification (germline): Likely pathogenic (1 of 4 stars; one submission).

Conditions:
Hearing impairment. Also called: Impaired Hearing. Identifiers: MedGen C1384666, MONDO:0005365, HP:0000365.

Allele frequency attached by ClinVar (database versions not stated): TOPMed below 0.00001; ExAC 0.00001; gnomAD exomes 0.00001; ESP Exome Variant Server 0.00008.
gnomAD v4.1: 10 of 1,613,670 alleles (0.00062%); highest among the groups gnomAD compares: African/African-American, 0.0013%; no homozygotes.

Submission:

Department of Otolaryngology – Head & Neck Surgery, Cochlear Implant Center
Classification: Likely pathogenic for Hearing impairment. Last evaluated: 2021-04-12. Review status: criteria provided, single submitter. Criteria: ClinGen HL ACMG Specifications v1. Collection method: clinical testing. Allele origin: germline. Affected: yes.
Comment: PM2_Moderate, PP3_Strong

NM_016239.4(MYO15A):c.4039A>T (p.Ile1347Phe)

Gene: MYO15A (myosin XVA; plus strand). Cytogenetic location: 17p11.2.
Variant type: single nucleotide variant.
Coding change: c.4039A>T on transcript NM_016239.4 (MANE Select); coding-DNA position 4039, A replaced by T.
Protein change: p.Ile1347Phe; replaces isoleucine 1347 with phenylalanine.
Molecular consequence: missense variant.
Genome position (GRCh38, 1-based): chr17:18,131,239, A>T. VCF-style: chr17-18131239-A-T. GRCh37 (hg19) VCF-style: chr17-18034553-A-T.
Other names: short protein forms I1347F.
Identifiers: ClinVar variation 1065001 (VCV001065001.3), dbSNP rs375627187, ClinGen allele CA8423757.